The following is an entry in ClinVar:

ClinVar aggregate classification (germline): Benign/Likely benign. Review status: criteria provided, multiple submitters, no conflicts (2 of 4 stars). 4 submissions from 4 submitters: Benign (2); Likely benign (2). Last evaluated 2026-01-13.

Conditions:
Hereditary sensory neuropathy-deafness-dementia syndrome. Also called: Hereditary sensory neuropathy type IE; Hereditary Sensory and Autonomic Neuropathy Type 1E (HSAN1E); HSN IE; NEUROPATHY, HEREDITARY SENSORY, WITH HEARING LOSS AND DEMENTIA. Identifiers: Orphanet 456318, MedGen C3279885, MONDO:0013584, OMIM 614116.

Allele frequency attached by ClinVar (database versions not stated): gnomAD 0.00006 and 0.00007; gnomAD exomes 0.00013 and 0.00030; TOPMed 0.00023; ExAC 0.00027; 1000 Genomes Project 30x 0.00031; 1000 Genomes Project 0.00040.
gnomAD v4.1: 90 of 1,614,074 alleles (0.0056%); highest among the groups gnomAD compares: Admixed American, 0.15%; 1 homozygote.

Submissions (4):

Labcorp Genetics (formerly Invitae), Labcorp
Classification: Benign for Hereditary sensory neuropathy-deafness-dementia syndrome. Last evaluated: 2026-01-13. Review status: criteria provided, single submitter. Criteria: Invitae Variant Classification Sherloc (09022015). Collection method: clinical testing. Allele origin: germline.

GeneDx
Classification: Likely benign. Last evaluated: 2020-05-19. Review status: criteria provided, single submitter. Criteria: GeneDx Variant Classification Process June 2021. Collection method: clinical testing. Allele origin: germline. Affected: yes.

Eurofins Ntd Llc (ga)
Classification: Likely benign. Last evaluated: 2018-03-27. Review status: criteria provided, single submitter. Criteria: EGL ClinVar v180209 classification definitions. Collection method: clinical testing. Allele origin: germline. Observed: 1 variant allele, 1 heterozygote.

Illumina Laboratory Services, Illumina
Classification: Benign for Hereditary sensory neuropathy-deafness-dementia syndrome. Last evaluated: 2018-01-13. Review status: criteria provided, single submitter. Criteria: ICSL Variant Classification Criteria 13 December 2019. Collection method: clinical testing. Allele origin: germline.
Comment: This variant was observed in the ICSL laboratory as part of a predisposition screen in an ostensibly healthy population. It had not been previously curated by ICSL or reported in the Human Gene Mutation Database (HGMD: prior to June 1st, 2018), and was therefore a candidate for classification through an automated scoring system. Utilizing variant allele frequency, disease prevalence and penetrance estimates, and inheritance mode, an automated score was calculated to assess if this variant is too frequent to cause the disease. Based on the score and internal cut-off values, a variant classified as benign is not then subjected to further curation. The score for this variant resulted in a classification of benign for this disease.

NM_001130823.3(DNMT1):c.3413C>G (p.Ser1138Cys)

Gene: DNMT1 (DNA methyltransferase 1; minus strand). Cytogenetic location: 19p13.2.
Variant type: single nucleotide variant.
Coding change: c.3413C>G on transcript NM_001130823.3 (MANE Select); coding-DNA position 3413, C replaced by G.
Protein change: p.Ser1138Cys; replaces serine 1138 with cysteine.
Molecular consequence: missense variant.
Genome position (GRCh38, 1-based): chr19:10,140,891, G>C on the plus strand (C>G on the coding strand, the complement: DNMT1 is on the minus strand). VCF-style: chr19-10140891-G-C. GRCh37 (hg19) VCF-style: chr19-10251567-G-C.
Other names: c.3413C>G (LRG_362t1); c.3365C>G, p.Ser1122Cys (NM_001318730.2, NM_001379.4); c.3050C>G, p.Ser1017Cys (NM_001318731.2); short protein forms S1138C, S1017C, S1122C.
Identifiers: ClinVar variation 327893 (VCV000327893.21), dbSNP rs201308454, ClinGen allele CA9187751.